The following is an entry in ClinVar:

NM_014439.4(IL37):c.103G>T (p.Glu35Ter)

Gene: IL37 (interleukin 37; plus strand). Cytogenetic location: 2q14.1.
Variant type: single nucleotide variant.
Coding change: c.103G>T on transcript NM_014439.4 (MANE Select); coding-DNA position 103, G replaced by T.
Protein change: p.Glu35Ter; replaces glutamic acid 35 with a stop codon.
Molecular consequence: nonsense. On other transcripts: intron variant (2).
Genome position (GRCh38, 1-based): chr2:112,913,812, G>T. VCF-style: chr2-112913812-G-T. GRCh37 (hg19) VCF-style: chr2-113671389-G-T.
Other names: c.103G>T, p.Glu35Ter (NM_173204.2); c.82+718G>T (NM_173202.2, NM_173203.2); short protein forms E35*.
Identifiers: ClinVar variation 4850389 (VCV004850389.1).

ClinVar aggregate classification (germline): Likely pathogenic (1 of 4 stars; one submission).

Conditions:
Inflammatory bowel disease (infantile ulcerative colitis) 31, autosomal recessive (IBD31). Also called: INFLAMMATORY BOWEL DISEASE, EARLY-ONSET, AUTOSOMAL RECESSIVE. Identifiers: MedGen C5444224, MONDO:0030314, OMIM 619398.

gnomAD v4.1: 210 of 1,613,676 alleles (0.013%); highest among the groups gnomAD compares: East Asian, 0.44%; no homozygotes.

Submission:

First Genomix Gene Laboratory, Genetic Diagnostics Department
Classification: Likely pathogenic for Inflammatory bowel disease (infantile ulcerative colitis) 31, autosomal recessive. Last evaluated: 2025-09-19. Review status: criteria provided, single submitter. Criteria: ACMG Guidelines, 2015. Collection method: clinical testing. Allele origin: germline. Inheritance: Autosomal recessive inheritance. Affected: no. Observed: 1 variant allele.